The following is an entry in ClinVar:

ClinVar aggregate classification (germline): Uncertain significance (1 of 4 stars; one submission).

Allele frequency attached by ClinVar (database versions not stated): gnomAD exomes below 0.00001.
gnomAD v4.1: 1 of 1,613,966 alleles (0.000062%); highest among the groups gnomAD compares: South Asian, 0.0011%; no homozygotes.

Submission:

Labcorp Genetics (formerly Invitae), Labcorp
Classification: Uncertain significance. Last evaluated: 2022-03-21. Review status: criteria provided, single submitter. Criteria: Invitae Variant Classification Sherloc (09022015). Collection method: clinical testing. Allele origin: germline.
Comment: In summary, the available evidence is currently insufficient to determine the role of this variant in disease. Therefore, it has been classified as a Variant of Uncertain Significance. Algorithms developed to predict the effect of missense changes on protein structure and function (SIFT, PolyPhen-2, Align-GVGD) all suggest that this variant is likely to be tolerated. This variant has not been reported in the literature in individuals affected with MTAP-related conditions. This variant is not present in population databases (gnomAD no frequency). This sequence change replaces glutamic acid, which is acidic and polar, with aspartic acid, which is acidic and polar, at codon 84 of the MTAP protein (p.Glu84Asp).

NM_002451.4(MTAP):c.252G>C (p.Glu84Asp)

Gene: MTAP (methylthioadenosine phosphorylase; plus strand). Cytogenetic location: 9p21.3.
Variant type: single nucleotide variant.
Coding change: c.252G>C on transcript NM_002451.4 (MANE Select); coding-DNA position 252, G replaced by C.
Protein change: p.Glu84Asp; replaces glutamic acid 84 with aspartic acid.
Molecular consequence: missense variant. On other transcripts: non-coding transcript variant (1).
Genome position (GRCh38, 1-based): chr9:21,818,107, G>C. VCF-style: chr9-21818107-G-C. GRCh37 (hg19) VCF-style: chr9-21818106-G-C.
Other names: c.303G>C, p.Glu101Asp (NM_001396040.1); c.252G>C, p.Glu84Asp (NM_001396041.1, NM_001396042.1, NM_001396043.1 and 2 more transcripts); short protein forms E84D, E101D.
Identifiers: ClinVar variation 2115224 (VCV002115224.4), dbSNP rs1824530237, ClinGen allele CA373083076.